The following is an entry in ClinVar:

NM_001164277.2(SLC37A4):c.955C>T (p.Arg319Trp)

Gene: SLC37A4 (solute carrier family 37 member 4; minus strand). Cytogenetic location: 11q23.3.
Variant type: single nucleotide variant.
Coding change: c.955C>T on transcript NM_001164277.2 (MANE Select); coding-DNA position 955, C replaced by T.
Protein change: p.Arg319Trp; replaces arginine 319 with tryptophan.
Molecular consequence: missense variant.
Genome position (GRCh38, 1-based): chr11:119,025,996, G>A on the plus strand (C>T on the coding strand, the complement: SLC37A4 is on the minus strand). VCF-style: chr11-119025996-G-A. GRCh37 (hg19) VCF-style: chr11-118896706-G-A.
Other names: c.955C>T, p.Arg319Trp (NM_001164278.2, NM_001164280.2, NM_001467.6); c.736C>T, p.Arg246Trp (NM_001164279.2); short protein forms R246W, R319W.
Identifiers: ClinVar variation 846325 (VCV000846325.6), dbSNP rs376730573, ClinGen allele CA6311681.

ClinVar aggregate classification (germline): Uncertain significance. Review status: criteria provided, multiple submitters, no conflicts (2 of 4 stars). 4 submissions from 4 submitters: Uncertain significance (3). 1 of the submissions does not count toward it. Last evaluated 2026-01-16.

Conditions:
Glucose-6-phosphate transport defect (GSD1B). Also called: Glycogen Storage Disease Type Ib; GSD Ib. Identifiers: Orphanet 364, Orphanet 79259, MedGen C0268146, MONDO:0009288, OMIM 232220.
Congenital disorder of glycosylation, type IIw. Identifiers: MedGen C5561986, MONDO:0030437, OMIM 619525.
Phosphate transport defect (GSD1C). Also called: GLYCOGEN STORAGE DISEASE Ic; GSD Ic. Identifiers: Orphanet 364, Orphanet 79259, MedGen C0342749, OMIM 232240.

Allele frequency attached by ClinVar (database versions not stated): gnomAD 0.00002; gnomAD exomes 0.00003; TOPMed 0.00003; ExAC 0.00006; ESP Exome Variant Server 0.00008.

Submissions (4):

Labcorp Genetics (formerly Invitae), Labcorp
Classification: Uncertain significance for Glucose-6-phosphate transport defect. Last evaluated: 2026-01-16. Review status: criteria provided, single submitter. Criteria: Invitae Variant Classification Sherloc (09022015). Collection method: clinical testing. Allele origin: germline.
Comment: This sequence change replaces arginine, which is basic and polar, with tryptophan, which is neutral and slightly polar, at codon 319 of the SLC37A4 protein (p.Arg319Trp). The frequency data for this variant in the population databases is considered unreliable, as metrics indicate poor data quality at this position in the gnomAD database. This variant has not been reported in the literature in individuals affected with SLC37A4-related conditions. ClinVar contains an entry for this variant (Variation ID: 846325). Invitae Evidence Modeling of protein sequence and biophysical properties (such as structural, functional, and spatial information, amino acid conservation, physicochemical variation, residue mobility, and thermodynamic stability) indicates that this missense variant is not expected to disrupt SLC37A4 protein function with a negative predictive value of 80%. In summary, the available evidence is currently insufficient to determine the role of this variant in disease. Therefore, it has been classified as a Variant of Uncertain Significance.

Blueprint Genetics
Classification: Uncertain significance. Last evaluated: 2024-08-14. Review status: criteria provided, single submitter. Criteria: ACMG Guidelines, 2015. Collection method: clinical testing. Allele origin: germline.

Fulgent Genetics
Classification: Uncertain significance for Glucose-6-phosphate transport defect; Phosphate transport defect; Congenital disorder of glycosylation, type IIw. Last evaluated: 2022-01-03. Review status: criteria provided, single submitter. Criteria: ACMG Guidelines, 2015. Collection method: clinical testing. Allele origin: unknown.

Natera, Inc.
Classification: Uncertain significance for Glycogen storage disease type Ib. Last evaluated: 2020-09-16. Review status: no assertion criteria provided. Collection method: clinical testing. Allele origin: germline. Not counted in ClinVar's aggregate classification.